The following is an entry in ClinVar:

NM_014795.4(ZEB2):c.3059A>G (p.Glu1020Gly)

Gene: ZEB2 (zinc finger E-box binding homeobox 2; minus strand). Cytogenetic location: 2q22.3.
Variant type: single nucleotide variant.
Coding change: c.3059A>G on transcript NM_014795.4 (MANE Select); coding-DNA position 3059, A replaced by G.
Protein change: p.Glu1020Gly; replaces glutamic acid 1020 with glycine.
Molecular consequence: missense variant.
Genome position (GRCh38, 1-based): chr2:144,396,420, T>C on the plus strand (A>G on the coding strand, the complement: ZEB2 is on the minus strand). VCF-style: chr2-144396420-T-C. GRCh37 (hg19) VCF-style: chr2-145153987-T-C.
Other names: c.2987A>G, p.Glu996Gly (NM_001171653.2); short protein forms E1020G, E996G.
Identifiers: ClinVar variation 5021439 (VCV005021439.1).

ClinVar aggregate classification (germline): VUS-high (1 of 4 stars; one submission).

Conditions:
Mowat-Wilson syndrome (MOWS). Also called: Classic Mowat-Wilson Syndrome. Identifiers: Orphanet 2152, MedGen C1856113, MONDO:0009341, OMIM 235730.

Submission:

Center of Medical Genetics, The Affiliated Northwest Women's and Children's Hospital of Xi'an Jiaotong University Health Science Center
Classification: VUS-high for Mowat-Wilson syndrome. Last evaluated: 2026-10-18. Review status: criteria provided, single submitter. Criteria: ACMG Guidelines, 2015. Collection method: clinical testing. Allele origin: de novo. Observed: 1 variant allele, 1 heterozygote.
Comment: The NM_014795.4(ZEB2).3059A>G (p.Glu1020Gly) variant is a missense variant that affects a conserved amino acid residue. The variant is absent from the gnomAD population database at sites with sufficient sequencing coverage (PM2_Supporting). The variant is located in neighbourhood hotspot (≥2 P/LP within ±8 AA, OR ≥ 5 vs. background)(PM1). The variant arose de novo, as supported by pedigree analysis (PS2_Supporting). In summary, it was classified as a variant of uncertain significance (VUS) according to the ACMG/AMP guidelines.